The following is an entry in ClinVar:

NM_005465.7(AKT3):c.532A>G (p.Ile178Val)

Gene: AKT3 (AKT serine/threonine kinase 3; minus strand). Cytogenetic location: 1q44.
Variant type: single nucleotide variant.
Coding change: c.532A>G on transcript NM_005465.7 (MANE Select); coding-DNA position 532, A replaced by G.
Protein change: p.Ile178Val; replaces isoleucine 178 with valine.
Molecular consequence: missense variant.
Genome position (GRCh38, 1-based): chr1:243,637,640, T>C on the plus strand (A>G on the coding strand, the complement: AKT3 is on the minus strand). VCF-style: chr1-243637640-T-C. GRCh37 (hg19) VCF-style: chr1-243800942-T-C.
Other names: c.532A>G, p.Ile178Val (NM_001206729.2, NM_001370074.1, NM_181690.2); short protein forms I178V.
Identifiers: ClinVar variation 2633289 (VCV002633289.1), dbSNP rs2147812159, ClinGen allele CA345669705.

ClinVar aggregate classification (germline): Uncertain significance (1 of 4 stars; one submission).

Conditions:
AKT3-related disorder. Also called: AKT3-related condition.

Submission:

PreventionGenetics, part of Exact Sciences
Classification: Uncertain significance for AKT3-related condition. Last evaluated: 2023-06-22. Review status: criteria provided, single submitter. Criteria: ACMG Guidelines, 2015. Collection method: clinical testing. Allele origin: germline.
Comment: The AKT3 c.532A>G variant is predicted to result in the amino acid substitution p.Ile178Val. To our knowledge, this variant has not been reported in the literature or in a large population database, indicating this variant is rare. At this time, the clinical significance of this variant is uncertain due to the absence of conclusive functional and genetic evidence.